The following is an entry in ClinVar:

NM_012106.4(ARL2BP):c.355C>G (p.Leu119Val)

Gene: ARL2BP (ARF like GTPase 2 binding protein; plus strand). Cytogenetic location: 16q13.
Variant type: single nucleotide variant.
Coding change: c.355C>G on transcript NM_012106.4 (MANE Select); coding-DNA position 355, C replaced by G.
Protein change: p.Leu119Val; replaces leucine 119 with valine.
Molecular consequence: missense variant.
Genome position (GRCh38, 1-based): chr16:57,250,472, C>G. VCF-style: chr16-57250472-C-G. GRCh37 (hg19) VCF-style: chr16-57284384-C-G.
Other names: short protein forms L119V.
Identifiers: ClinVar variation 1393149 (VCV001393149.6), dbSNP rs1409652234, ClinGen allele CA396023528.

ClinVar aggregate classification (germline): Uncertain significance (1 of 4 stars; one submission).

Allele frequency attached by ClinVar (database versions not stated): TOPMed below 0.00001; gnomAD 0.00001.
gnomAD v4.1: 1 of 1,614,064 alleles (0.000062%); highest among the groups gnomAD compares: Admixed American, 0.0017%; no homozygotes.

Submission:

Labcorp Genetics (formerly Invitae), Labcorp
Classification: Uncertain significance. Last evaluated: 2022-10-05. Review status: criteria provided, single submitter. Criteria: Invitae Variant Classification Sherloc (09022015). Collection method: clinical testing. Allele origin: germline.
Comment: In summary, the available evidence is currently insufficient to determine the role of this variant in disease. Therefore, it has been classified as a Variant of Uncertain Significance. Algorithms developed to predict the effect of missense changes on protein structure and function are either unavailable or do not agree on the potential impact of this missense change (SIFT: "Deleterious"; PolyPhen-2: "Benign"; Align-GVGD: "Class C25"). ClinVar contains an entry for this variant (Variation ID: 1393149). This variant has not been reported in the literature in individuals affected with ARL2BP-related conditions. This variant is not present in population databases (gnomAD no frequency). This sequence change replaces leucine, which is neutral and non-polar, with valine, which is neutral and non-polar, at codon 119 of the ARL2BP protein (p.Leu119Val).